The following is an entry in ClinVar:

ClinVar aggregate classification (germline): Pathogenic/Likely pathogenic. Review status: criteria provided, multiple submitters, no conflicts (2 of 4 stars). 2 submissions from 2 submitters: Pathogenic (1); Likely pathogenic (1). Last evaluated 2024-06-28.

Allele frequency attached by ClinVar (database versions not stated): gnomAD exomes below 0.00001; ExAC 0.00001; gnomAD 0.00001.

Submissions (2):

Labcorp Genetics (formerly Invitae), Labcorp
Classification: Pathogenic. Last evaluated: 2024-06-28. Review status: criteria provided, single submitter. Criteria: Invitae Variant Classification Sherloc (09022015). Collection method: clinical testing. Allele origin: germline.
Comment: This sequence change creates a premature translational stop signal (p.Arg826*) in the SZT2 gene. It is expected to result in an absent or disrupted protein product. Loss-of-function variants in SZT2 are known to be pathogenic (PMID: 23932106, 27248490, 28556953). This variant is present in population databases (rs767342365, gnomAD 0.005%). This variant has not been reported in the literature in individuals affected with SZT2-related conditions. ClinVar contains an entry for this variant (Variation ID: 620280). For these reasons, this variant has been classified as Pathogenic.

GeneDx
Classification: Likely pathogenic. Last evaluated: 2018-07-24. Review status: criteria provided, single submitter. Criteria: GeneDx Variant Classification (06012015). Collection method: clinical testing. Allele origin: germline. Affected: yes.
Comment: The R826X variant in the SZT2 gene has not been reported previously as a pathogenic variant nor as a benign variant, to our knowledge. This variant is predicted to cause loss of normal protein function either through protein truncation or nonsense-mediated mRNA decay. The R826X variant is not observed at a significant frequency in large population cohorts (Lek et al., 2016). We interpret R826X as a likely pathogenic variant.

Literature cited by the submitters: PubMed 23932106 (cited by Labcorp Genetics (formerly Invitae), Labcorp); PubMed 27248490 (cited by Labcorp Genetics (formerly Invitae), Labcorp); PubMed 28556953 (cited by Labcorp Genetics (formerly Invitae), Labcorp).

NM_001365999.1(SZT2):c.2476C>T (p.Arg826Ter)

Gene: SZT2 (SZT2 subunit of KICSTOR complex; plus strand). Cytogenetic location: 1p34.2.
Variant type: single nucleotide variant.
Coding change: c.2476C>T on transcript NM_001365999.1 (MANE Select); coding-DNA position 2476, C replaced by T.
Protein change: p.Arg826Ter; replaces arginine 826 with a stop codon.
Molecular consequence: nonsense.
Genome position (GRCh38, 1-based): chr1:43,424,788, C>T. VCF-style: chr1-43424788-C-T. GRCh37 (hg19) VCF-style: chr1-43890459-C-T.
Other names: c.2476C>T, p.Arg826Ter (NM_015284.4); short protein forms R826*.
Identifiers: ClinVar variation 620280 (VCV000620280.5), dbSNP rs767342365, ClinGen allele CA808709.